The following is an entry in ClinVar:

NM_012472.6(DNAAF11):c.1044+1G>A

Gene: DNAAF11 (dynein axonemal assembly factor 11; minus strand). Cytogenetic location: 8q24.22.
Variant type: single nucleotide variant.
Coding change: c.1044+1G>A on transcript NM_012472.6 (MANE Select); the canonical splice donor site of the intron after coding-DNA position 1044, G replaced by A.
Molecular consequence: splice donor variant.
Genome position (GRCh38, 1-based): chr8:132,611,293, C>T on the plus strand (G>A on the coding strand, the complement: DNAAF11 is on the minus strand). VCF-style: chr8-132611293-C-T. GRCh37 (hg19) VCF-style: chr8-133623539-C-T.
Other names: c.798+1G>A (NM_001321962.2); c.984+1G>A (NM_001321961.2); c.624+1G>A (NM_001321966.2); c.684+1G>A (NM_001321963.2, NM_001321964.2, NM_001321965.2).
Identifiers: ClinVar variation 3614860 (VCV003614860.2).

ClinVar aggregate classification (germline): Likely pathogenic (1 of 4 stars; one submission).

Conditions:
Primary ciliary dyskinesia 19. Also called: CILIARY DYSKINESIA, PRIMARY, 19, WITH OR WITHOUT SITUS INVERSUS. Identifiers: Orphanet 244, MedGen C3543826, MONDO:0013979, OMIM 614935.

gnomAD v4.1: 8 of 1,607,734 alleles (0.0005%); highest among the groups gnomAD compares: Non-Finnish European, 0.00068%; no homozygotes.

Submission:

Labcorp Genetics (formerly Invitae), Labcorp
Classification: Likely pathogenic for Primary ciliary dyskinesia 19. Last evaluated: 2024-06-13. Review status: criteria provided, single submitter. Criteria: Invitae Variant Classification Sherloc (09022015). Collection method: clinical testing. Allele origin: germline.
Comment: This sequence change affects a donor splice site in intron 9 of the LRRC6 gene. It is expected to disrupt RNA splicing. Variants that disrupt the donor or acceptor splice site typically lead to a loss of protein function (PMID: 16199547), and loss-of-function variants in LRRC6 are known to be pathogenic (PMID: 23122589). This variant is not present in population databases (gnomAD no frequency). This variant has not been reported in the literature in individuals affected with LRRC6-related conditions. Algorithms developed to predict the effect of sequence changes on RNA splicing suggest that this variant may disrupt the consensus splice site. In summary, the currently available evidence indicates that the variant is pathogenic, but additional data are needed to prove that conclusively. Therefore, this variant has been classified as Likely Pathogenic.

Literature cited by the submitters: PubMed 16199547; PubMed 23122589.